The following is an entry in ClinVar:

NM_000435.3(NOTCH3):c.2717C>T (p.Ala906Val)

Gene: NOTCH3 (notch receptor 3; minus strand). Cytogenetic location: 19p13.12.
Variant type: single nucleotide variant.
Coding change: c.2717C>T on transcript NM_000435.3 (MANE Select); coding-DNA position 2717, C replaced by T.
Protein change: p.Ala906Val; replaces alanine 906 with valine.
Molecular consequence: missense variant.
Genome position (GRCh38, 1-based): chr19:15,181,651, G>A on the plus strand (C>T on the coding strand, the complement: NOTCH3 is on the minus strand). VCF-style: chr19-15181651-G-A. GRCh37 (hg19) VCF-style: chr19-15292462-G-A.
Other names: short protein forms A906V.
Identifiers: ClinVar variation 995047 (VCV000995047.5), dbSNP rs754997329, ClinGen allele CA9263300.

ClinVar aggregate classification (germline): Uncertain significance. Review status: criteria provided, multiple submitters, no conflicts (2 of 4 stars). 3 submissions from 3 submitters: Uncertain significance (3). Last evaluated 2024-09-08.

Conditions:
Inborn genetic diseases. Identifiers: MedGen C0950123, MeSH D030342.

Allele frequency attached by ClinVar (database versions not stated): ExAC below 0.00001; gnomAD exomes below 0.00001; TOPMed 0.00002.

Submissions (3):

Ambry Genetics
Classification: Uncertain significance for Inborn genetic diseases. Last evaluated: 2024-09-08. Review status: criteria provided, single submitter. Criteria: Ambry Variant Classification Scheme 2023. Collection method: clinical testing. Allele origin: germline.

Labcorp Genetics (formerly Invitae), Labcorp
Classification: Uncertain significance. Last evaluated: 2023-01-29. Review status: criteria provided, single submitter. Criteria: Invitae Variant Classification Sherloc (09022015). Collection method: clinical testing. Allele origin: germline.
Comment: In summary, the available evidence is currently insufficient to determine the role of this variant in disease. Therefore, it has been classified as a Variant of Uncertain Significance. Advanced modeling of protein sequence and biophysical properties (such as structural, functional, and spatial information, amino acid conservation, physicochemical variation, residue mobility, and thermodynamic stability) performed at Invitae indicates that this missense variant is not expected to disrupt NOTCH3 protein function. ClinVar contains an entry for this variant (Variation ID: 995047). This variant has not been reported in the literature in individuals affected with NOTCH3-related conditions. This variant is not present in population databases (gnomAD no frequency). This sequence change replaces alanine, which is neutral and non-polar, with valine, which is neutral and non-polar, at codon 906 of the NOTCH3 protein (p.Ala906Val).

Athena Diagnostics
Classification: Uncertain significance. Last evaluated: 2020-06-15. Review status: criteria provided, single submitter. Criteria: Athena Diagnostics Criteria. Collection method: clinical testing. Allele origin: unknown.